The following is an entry in ClinVar:

ClinVar aggregate classification (germline): Uncertain significance (1 of 4 stars; one submission).

Conditions:
Wilson disease (WND). Also called: Wilson's disease. Identifiers: Orphanet 905, MedGen C0019202, MONDO:0010200, OMIM 277900. Disease mechanism: loss of function.

Allele frequency attached by ClinVar (database versions not stated): gnomAD exomes 0.00001; ExAC 0.00002.
gnomAD v4.1: 3 of 1,614,098 alleles (0.00019%); highest among the groups gnomAD compares: Non-Finnish European, 0.00025%; no homozygotes.

Submission:

All of Us Research Program, National Institutes of Health
Classification: Uncertain significance for Wilson disease. Last evaluated: 2023-03-23. Review status: criteria provided, single submitter. Criteria: ACMG Guidelines, 2015. Collection method: clinical testing. Allele origin: germline. Inheritance: Autosomal recessive inheritance. Observed: 1 variant allele, 1 heterozygote.
Comment: This missense variant replaces valine with leucine at codon 1400 of the ATP7B protein. Computational prediction suggests that this variant may not impact protein structure and function (internally defined REVEL score threshold <= 0.5, PMID: 27666373). To our knowledge, functional studies have not been reported for this variant. This variant has not been reported in individuals affected with Wilson disease in the literature. This variant has been identified in 2/247616 chromosomes in the general population by the Genome Aggregation Database (gnomAD). The available evidence is insufficient to determine the role of this variant in disease conclusively. Therefore, this variant is classified as a Variant of Uncertain Significance.

This study involves interpretation of variants in research participants for the purpose of population health screening. Participant phenotype was not available at the time of variant classification. Additional details can be found in publication PMID: 35346344, PMCID: PMC8962531

NM_000053.4(ATP7B):c.4198G>C (p.Val1400Leu)

Gene: ATP7B (ATPase copper transporting beta; minus strand). Cytogenetic location: 13q14.3.
Variant type: single nucleotide variant.
Coding change: c.4198G>C on transcript NM_000053.4 (MANE Select); coding-DNA position 4198, G replaced by C.
Protein change: p.Val1400Leu; replaces valine 1400 with leucine.
Molecular consequence: missense variant.
Genome position (GRCh38, 1-based): chr13:51,934,956, C>G on the plus strand (G>C on the coding strand, the complement: ATP7B is on the minus strand). VCF-style: chr13-51934956-C-G. GRCh37 (hg19) VCF-style: chr13-52509092-C-G.
Other names: c.3577G>C, p.Val1193Leu (NM_001005918.3); c.3865G>C, p.Val1289Leu (NM_001243182.2); c.3964G>C, p.Val1322Leu (NM_001330578.2, NM_001406527.1, NM_001406528.1); c.3946G>C, p.Val1316Leu (NM_001330579.2, NM_001406531.1, NM_001406532.1); c.4198G>C, p.Val1400Leu (NM_001406511.1, NM_001406512.1); c.4192G>C, p.Val1398Leu (NM_001406513.1); c.4165G>C, p.Val1389Leu (NM_001406514.1); c.4144G>C, p.Val1382Leu (NM_001406515.1, NM_001406516.1); and 21 more; short protein forms V1119L, V1173L, V1184L, V1193L, V1206L, V1236L, V1238L, V1251L.
Identifiers: ClinVar variation 3075575 (VCV003075575.1), dbSNP rs766316953, ClinGen allele CA6988457.